The following is an entry in ClinVar:

ClinVar aggregate classification (germline): Uncertain significance. Review status: criteria provided, multiple submitters, no conflicts (2 of 4 stars). 3 submissions from 3 submitters: Uncertain significance (3). Last evaluated 2022-05-20.

Conditions:
Bethlem myopathy 1A. Also called: Bethlem Muscular Dystrophy; MYOPATHY, BENIGN CONGENITAL, WITH CONTRACTURES; Bethlem myopathy 1. Identifiers: Orphanet 610, MedGen CN029274, MONDO:0024530, OMIM 158810.

Submissions (3):

Labcorp Genetics (formerly Invitae), Labcorp
Classification: Uncertain significance for Bethlem myopathy 1A. Last evaluated: 2022-05-20. Review status: criteria provided, single submitter. Criteria: Invitae Variant Classification Sherloc (09022015). Collection method: clinical testing. Allele origin: germline.
Comment: In summary, the available evidence is currently insufficient to determine the role of this variant in disease. Therefore, it has been classified as a Variant of Uncertain Significance. Algorithms developed to predict the effect of missense changes on protein structure and function are either unavailable or do not agree on the potential impact of this missense change (SIFT: "Not Available"; PolyPhen-2: "Possibly Damaging"; Align-GVGD: "Not Available"). ClinVar contains an entry for this variant (Variation ID: 286135). This variant has not been reported in the literature in individuals affected with COL6A3-related conditions. This variant is present in population databases (no rsID available, gnomAD 0.2%). This sequence change replaces serine, which is neutral and polar, with isoleucine, which is neutral and non-polar, at codon 599 of the COL6A3 protein (p.Ser599Ile).

Revvity Omics, Revvity
Classification: Uncertain significance. Last evaluated: 2020-08-27. Review status: criteria provided, single submitter. Criteria: ACMG Guidelines, 2015. Collection method: clinical testing. Allele origin: germline.

Eurofins Ntd Llc (ga)
Classification: Uncertain significance. Last evaluated: 2016-01-27. Review status: criteria provided, single submitter. Criteria: EGL Classification Definitions 2015. Collection method: clinical testing. Allele origin: germline. Observed: 1 variant allele, 1 heterozygote.

NM_004369.4(COL6A3):c.1795_1796delinsAT (p.Ser599Ile)

Gene: COL6A3 (collagen type VI alpha 3 chain; minus strand). Cytogenetic location: 2q37.3.
Variant type: Indel.
Coding change: c.1795_1796delinsAT on transcript NM_004369.4 (MANE Select); coding-DNA positions 1795 to 1796, TC replaced by AT.
Protein change: p.Ser599Ile; replaces serine 599 with isoleucine.
Molecular consequence: missense variant.
Genome position (GRCh38, 1-based): chr2:237,381,016-237,381,017, GA replaced by AT on the plus strand (TC replaced by AT on the coding strand, the reverse complement: COL6A3 is on the minus strand). VCF-style: chr2-237381016-GA-AT. GRCh37 (hg19) VCF-style: chr2-238289659-GA-AT.
Other names: c.1795_1796delinsAT (NM_004369.3); c.574_575delinsAT, p.Ser192Ile (NM_057164.5, NM_057166.5); c.1177_1178delinsAT, p.Ser393Ile (NM_057165.5, NM_057167.4); short protein forms S192I, S393I, S599I.
Identifiers: ClinVar variation 286135 (VCV000286135.16), dbSNP rs886043319, ClinGen allele CA10605372.